The following is an entry in ClinVar:

NM_152296.5(ATP1A3):c.2095-2A>G

Gene: ATP1A3 (ATPase Na+/K+ transporting subunit alpha 3; minus strand). Cytogenetic location: 19q13.2.
Variant type: single nucleotide variant.
Coding change: c.2095-2A>G on transcript NM_152296.5 (MANE Select); the canonical splice acceptor site of the intron before coding-DNA position 2095, A replaced by G.
Molecular consequence: splice acceptor variant.
Genome position (GRCh38, 1-based): chr19:41,975,799, T>C on the plus strand (A>G on the coding strand, the complement: ATP1A3 is on the minus strand). VCF-style: chr19-41975799-T-C. GRCh37 (hg19) VCF-style: chr19-42479951-T-C.
Other names: c.2134-2A>G (NM_001256214.2); c.2128-2A>G (NM_001256213.2).
Identifiers: ClinVar variation 4855438 (VCV004855438.1).

ClinVar aggregate classification (germline): Likely pathogenic (1 of 4 stars; one submission).

Conditions:
Developmental and epileptic encephalopathy 99. Identifiers: MedGen C5562018, MONDO:0030473, OMIM 619606.

Submission:

3billion
Classification: Likely pathogenic for Developmental and epileptic encephalopathy 99. Last evaluated: 2025-07-30. Review status: criteria provided, single submitter. Criteria: ACMG Guidelines, 2015. Collection method: clinical testing. Allele origin: germline. Affected: yes.
Comment: The variant is not observed in the gnomAD v4.1.0 dataset. Predicted Consequence/Location: Canonical splice site: predicted to alter splicing and result in a loss or disruption of normal protein function. Multiple pathogenic loss-of-function variants are reported downstream of the variant. In silico tools predict the variant to alter splicing and produce an abnormal transcript [SpliceAI: 0.91 (spliceogenicity >=0.2, non-spliceogenicity <0.1)]. Therefore, this variant is classified as Likely pathogenic according to the recommendation of ACMG/AMP guideline.